The following is an entry in ClinVar:

ClinVar aggregate classification (germline): Likely benign (1 of 4 stars; one submission).

gnomAD v4.1: 9,230 of 1,614,050 alleles (0.57%); highest among the groups gnomAD compares: Non-Finnish European, 0.58%; 40 homozygotes.

Submission:

CeGaT Center for Human Genetics Tuebingen
Classification: Likely benign. Last evaluated: 2026-01-01. Review status: criteria provided, single submitter. Criteria: CeGaT Center For Human Genetics Tuebingen Variant Classification Criteria Version 2. Collection method: clinical testing. Allele origin: germline. Affected: yes. Observed: 1 variant allele.
Comment: ARHGAP8: BP4, BS2

NM_181335.3(ARHGAP8):c.949G>A (p.Val317Ile)

Genes: ARHGAP8 (Rho GTPase activating protein 8; plus strand), PRR5-ARHGAP8 (PRR5-ARHGAP8 readthrough; plus strand). Cytogenetic location: 22q13.31.
Variant type: single nucleotide variant.
Coding change: c.949G>A on transcript NM_181335.3 (MANE Select); coding-DNA position 949, G replaced by A.
Protein change: p.Val317Ile; replaces valine 317 with isoleucine.
Molecular consequence: missense variant. On other transcripts: intron variant (1).
Genome position (GRCh38, 1-based): chr22:44,859,802, G>A. VCF-style: chr22-44859802-G-A. GRCh37 (hg19) VCF-style: chr22-45255682-G-A.
Other names: c.1342G>A, p.Val448Ile (NM_181334.6); c.878-2473G>A (NM_001198726.2); c.1042G>A, p.Val348Ile (NM_001017526.2); short protein forms V317I, V348I, V448I.
Identifiers: ClinVar variation 4820670 (VCV004820670.4).
Genomic context (GRCh38, chr22:44,859,802, plus strand): 5'-AGCCTGCGTGTCACTGGCTGCCGCCAGATCTTACGGAGCCTCCCAGAGCACAACTACGTC[G>A]TCCTCCGCTACCTCATGGGCTTCCTGCATGCGGTGAGTGGGGAAGGGGGGAGCTTGGGGT-3'
Protein context (NP_851852.2, residues 307-327): LRSLPEHNYV[Val317Ile]LRYLMGFLHA